The following is an entry in ClinVar:

ClinVar aggregate classification (germline): Likely benign. Review status: criteria provided, multiple submitters, no conflicts (2 of 4 stars). 3 submissions from 3 submitters: Likely benign (2). 1 of the submissions does not count toward it. Last evaluated 2026-01-21.

Conditions:
Joubert syndrome. Also called: Familial aplasia of the vermis; JOUBERT-BOLTSHAUSER SYNDROME. Identifiers: Orphanet 475, MedGen C5979921, MONDO:0018772.
INPP5E-related disorder. Also called: INPP5E-related condition.

gnomAD v4.1: 59 of 1,590,104 alleles (0.0037%); highest among the groups gnomAD compares: Non-Finnish European, 0.0028%; no homozygotes.

Submissions (3):

Labcorp Genetics (formerly Invitae), Labcorp
Classification: Likely benign for Joubert syndrome. Last evaluated: 2026-01-21. Review status: criteria provided, single submitter. Criteria: Invitae Variant Classification Sherloc (09022015). Collection method: clinical testing. Allele origin: germline.

Blueprint Genetics
Classification: Likely benign. Last evaluated: 2024-11-19. Review status: criteria provided, single submitter. Criteria: ACMG Guidelines, 2015. Collection method: clinical testing. Allele origin: germline.

PreventionGenetics, part of Exact Sciences
Classification: Likely benign for INPP5E-related condition. Last evaluated: 2022-05-05. Review status: no assertion criteria provided. Collection method: clinical testing. Allele origin: germline. Not counted in ClinVar's aggregate classification.
Comment: This variant is classified as likely benign based on ACMG/AMP sequence variant interpretation guidelines (Richards et al. 2015 PMID: 25741868, with internal and published modifications).

NM_019892.6(INPP5E):c.1065G>C (p.Thr355=)

Gene: INPP5E (inositol polyphosphate-5-phosphatase E; minus strand). Cytogenetic location: 9q34.3.
Variant type: single nucleotide variant.
Coding change: c.1065G>C on transcript NM_019892.6 (MANE Select); coding-DNA position 1065, G replaced by C.
Protein change: p.Thr355=; no amino-acid change (threonine 355 retained).
Molecular consequence: synonymous variant.
Genome position (GRCh38, 1-based): chr9:136,433,249, C>G on the plus strand (G>C on the coding strand, the complement: INPP5E is on the minus strand). VCF-style: chr9-136433249-C-G. GRCh37 (hg19) VCF-style: chr9-139327701-C-G.
Other names: c.1065G>C, p.Thr355= (NM_001318502.2); c.1065G>C (NM_019892.5).
Identifiers: ClinVar variation 1586982 (VCV001586982.11), dbSNP rs374089192, ClinGen allele CA5336957.